The following is an entry in ClinVar:

ClinVar aggregate classification (germline): Conflicting classifications of pathogenicity. Review status: criteria provided, conflicting classifications (1 of 4 stars). 15 submissions from 15 submitters: Uncertain significance (1); Benign (7); Likely benign (6). 1 of the submissions does not count toward it. Last evaluated 2026-05-12.

Conditions:
Dystonia, early-onset, and/or spastic paraplegia. Identifiers: MedGen C5562051, MONDO:0859215, OMIM 619681.
Hereditary cancer-predisposing syndrome. Also called: Hereditary Cancer Syndrome; Tumor predisposition; Neoplastic Syndromes, Hereditary; Hereditary neoplastic syndrome. Identifiers: Orphanet 140162, MedGen C0027672, MeSH D009386, MONDO:0015356.
Tuberous sclerosis syndrome (TSC). Also called: Tuberous Sclerosis Complex; Tuberous sclerosis. Identifiers: Orphanet 805, MedGen C0041341, MONDO:0001734.
Tuberous sclerosis 2 (TSC2). Identifiers: Orphanet 805, MedGen C1860707, MONDO:0013199, OMIM 613254.

Allele frequency attached by ClinVar (database versions not stated): ExAC 0.00005; ESP Exome Variant Server 0.00009; TOPMed 0.00011; gnomAD 0.00022 and 0.00024.
gnomAD v4.1: 186 of 1,551,282 alleles (0.012%); highest among the groups gnomAD compares: Middle Eastern, 0.13%; no homozygotes.

Submissions (15):

Myriad Genetics, Inc.
Classification: Benign for Tuberous sclerosis 2. Last evaluated: 2026-05-12. Review status: criteria provided, single submitter. Criteria: Myriad Autosomal Dominant, Autosomal Recessive and X-Linked Classification Criteria (2023). Collection method: clinical testing. Allele origin: unknown.
Comment: This variant is considered benign. This variant is intronic and is not expected to impact mRNA splicing. This variant has been observed at a population frequency that is significantly greater than expected given the associated disease prevalence and penetrance. Homozygosity has been confirmed in one or more individuals. As homozygosity for pathogenic variants in this gene is generally assumed to result in embryonic lethality, this variant is unlikely to be pathogenic.

CeGaT Center for Human Genetics Tuebingen
Classification: Likely benign. Last evaluated: 2026-05-01. Review status: criteria provided, single submitter. Criteria: CeGaT Center For Human Genetics Tuebingen Variant Classification Criteria Version 2. Collection method: clinical testing. Allele origin: germline. Affected: yes. Observed: 7 variant alleles.
Comment: TSC2: BP4, BS2

Labcorp Genetics (formerly Invitae), Labcorp
Classification: Benign for Tuberous sclerosis 2. Last evaluated: 2026-01-28. Review status: criteria provided, single submitter. Criteria: Invitae Variant Classification Sherloc (09022015). Collection method: clinical testing. Allele origin: germline.

Blueprint Genetics
Classification: Likely benign. Last evaluated: 2024-10-17. Review status: criteria provided, single submitter. Criteria: ACMG Guidelines, 2015. Collection method: clinical testing. Allele origin: germline.

Color Diagnostics, LLC DBA Color Health
Classification: Likely benign for Tuberous sclerosis syndrome. Last evaluated: 2024-04-17. Review status: criteria provided, single submitter. Criteria: ACMG Guidelines, 2015. Collection method: clinical testing. Allele origin: germline.

KCCC/NGS Laboratory, Kuwait Cancer Control Center
Classification: Benign for Tuberous sclerosis 2. Last evaluated: 2023-07-07. Review status: criteria provided, single submitter. Criteria: ACMG Guidelines, 2015. Collection method: clinical testing. Allele origin: germline. Affected: yes.

Department of Pathology and Laboratory Medicine, Sinai Health System
Classification: Likely benign for Tuberous sclerosis 2. Last evaluated: 2023-01-18. Review status: criteria provided, single submitter. Criteria: ACMG Guidelines, 2015. Collection method: clinical testing. Allele origin: germline. Affected: yes.

Genome-Nilou Lab
Classification: Benign for Tuberous sclerosis 2. Last evaluated: 2021-11-07. Review status: criteria provided, single submitter. Criteria: ACMG Guidelines, 2015. Collection method: clinical testing. Allele origin: germline. Affected: no.

Sema4
Classification: Benign for Hereditary cancer-predisposing syndrome. Last evaluated: 2021-01-27. Review status: criteria provided, single submitter. Criteria: Sema4 Curation Guidelines. Collection method: curation. Allele origin: germline.

Mendelics
Classification: Likely benign for Tuberous sclerosis 2. Last evaluated: 2019-05-28. Review status: criteria provided, single submitter. Criteria: Mendelics Assertion Criteria 2017. Collection method: clinical testing. Allele origin: unknown.

Cambridge Genomics Laboratory, East Genomic Laboratory Hub, NHS Genomic Medicine Service
Classification: Benign for Dystonia, early-onset, and/or spastic paraplegia. Last evaluated: 2019-04-29. Review status: criteria provided, single submitter. Criteria: ACGS Best Practice Guidelines for Variant Classification in Rare Disease 2020. Collection method: clinical testing. Allele origin: germline. Affected: yes. Observed: 1 variant allele.

Ambry Genetics
Classification: Likely benign for Hereditary cancer-predisposing syndrome. Last evaluated: 2019-01-04. Review status: criteria provided, single submitter. Criteria: Ambry Variant Classification Scheme 2023. Collection method: clinical testing. Allele origin: germline.

Illumina Laboratory Services, Illumina
Classification: Uncertain significance for Tuberous sclerosis syndrome. Last evaluated: 2018-01-12. Review status: criteria provided, single submitter. Criteria: ICSL Variant Classification Criteria 13 December 2019. Collection method: clinical testing. Allele origin: germline.

GeneDx
Classification: Benign. Last evaluated: 2014-11-20. Review status: criteria provided, single submitter. Criteria: GeneDx Variant Classification (06012015). Collection method: clinical testing. Allele origin: germline. Affected: yes.
Comment: This variant is considered likely benign or benign based on one or more of the following criteria: it is a conservative change, it occurs at a poorly conserved position in the protein, it is predicted to be benign by multiple in silico algorithms, and/or has population frequency not consistent with disease.

Tuberous sclerosis database (TSC2)
No classification provided. Condition: TSC. Review status: no classification provided. Criteria: Tuberous Sclerosis Database Assertion Criteria 2015. Collection method: curation. Allele origin: germline. Affected: yes. Not counted in ClinVar's aggregate classification.

Literature cited by the submitters: PubMed 12111193 (cited by Ambry Genetics).

NM_000548.5(TSC2):c.1443+4C>T

Gene: TSC2 (TSC complex subunit 2; plus strand). Cytogenetic location: 16p13.3.
Variant type: single nucleotide variant.
Coding change: c.1443+4C>T on transcript NM_000548.5 (MANE Select); 4 bases into the intron after coding-DNA position 1443, C replaced by T.
Molecular consequence: intron variant.
Genome position (GRCh38, 1-based): chr16:2,063,057, C>T. VCF-style: chr16-2063057-C-T. GRCh37 (hg19) VCF-style: chr16-2113058-C-T.
Other names: c.1443+4C>T (NM_000548.4, NM_001114382.3, NM_021055.3 and 4 more transcripts); c.1332+4C>T (NM_001318827.2); c.843+4C>T (NM_001318831.2); c.1296+4C>T (NM_001318829.2); c.1476+4C>T (NM_001318832.2).
Identifiers: ClinVar variation 49742 (VCV000049742.59), dbSNP rs45517172, ClinGen allele CA014832.